The following is an entry in ClinVar:

ClinVar aggregate classification (germline): Benign/Likely benign. Review status: criteria provided, multiple submitters, no conflicts (2 of 4 stars). 4 submissions from 4 submitters: Benign (1); Likely benign (2). 1 of the submissions does not count toward it. Last evaluated 2024-07-11.

Conditions:
Nance-Horan syndrome (NHS). Identifiers: Orphanet 627, MedGen C0796085, MONDO:0010545, OMIM 302350.
Inborn genetic diseases. Identifiers: MedGen C0950123, MeSH D030342.
NHS-related disorder. Also called: NHS-related condition.

Allele frequency attached by ClinVar (database versions not stated): gnomAD exomes 0.00004 and 0.00008; ExAC 0.00015; ESP Exome Variant Server 0.00028; gnomAD 0.00028; TOPMed 0.00029.
gnomAD v4.1: 78 of 1,209,695 alleles (0.0064%); highest among the groups gnomAD compares: African/African-American, 0.084%; no homozygotes.

Submissions (4):

Labcorp Genetics (formerly Invitae), Labcorp
Classification: Benign for Nance-Horan syndrome. Last evaluated: 2024-07-11. Review status: criteria provided, single submitter. Criteria: Invitae Variant Classification Sherloc (09022015). Collection method: clinical testing. Allele origin: germline.

CeGaT Center for Human Genetics Tuebingen
Classification: Likely benign. Last evaluated: 2022-05-01. Review status: criteria provided, single submitter. Criteria: CeGaT Center For Human Genetics Tuebingen Variant Classification Criteria Version 2. Collection method: clinical testing. Allele origin: germline. Affected: yes. Observed: 1 variant allele.
Comment: NHS: BS2

Ambry Genetics
Classification: Likely benign for Inborn genetic diseases. Last evaluated: 2022-04-22. Review status: criteria provided, single submitter. Criteria: Ambry Variant Classification Scheme 2023. Collection method: clinical testing. Allele origin: germline.

PreventionGenetics, part of Exact Sciences
Classification: Likely benign for NHS-related condition. Last evaluated: 2024-07-15. Review status: no assertion criteria provided. Collection method: clinical testing. Allele origin: germline. Not counted in ClinVar's aggregate classification.
Comment: This variant is classified as likely benign based on ACMG/AMP sequence variant interpretation guidelines (Richards et al. 2015 PMID: 25741868, with internal and published modifications).

NM_001291867.2(NHS):c.1748G>A (p.Arg583His)

Gene: NHS (NHS actin remodeling regulator; plus strand). Cytogenetic location: Xp22.13.
Variant type: single nucleotide variant.
Coding change: c.1748G>A on transcript NM_001291867.2 (MANE Select); coding-DNA position 1748, G replaced by A.
Protein change: p.Arg583His; replaces arginine 583 with histidine.
Molecular consequence: missense variant.
Genome position (GRCh38, 1-based): chrX:17,725,854, G>A. VCF-style: chrX-17725854-G-A. GRCh37 (hg19) VCF-style: chrX-17743974-G-A.
Other names: c.1685G>A (NM_198270.3, NM_198270.2); c.1217G>A, p.Arg406His (NM_001136024.4); c.1154G>A, p.Arg385His (NM_001291868.2); c.1685G>A, p.Arg562His (NM_198270.4); short protein forms R385H, R406H, R562H, R583H.
Identifiers: ClinVar variation 1695285 (VCV001695285.37), dbSNP rs143289369, ClinGen allele CA10358654.